The following is an entry in ClinVar:

NM_001122769.3(LCA5):c.52_53insTCCGCCCGCCTCGGCCTCCCAAAGTGCTGGGATTACAGGCGTGAGCCACCGCGCCCGGCCT (p.Lys18delinsIleArgProProArgProProLysValLeuGlyLeuGlnAlaTer)

Gene: LCA5 (lebercilin LCA5; minus strand). Cytogenetic location: 6q14.1.
Variant type: Insertion.
Coding change: c.52_53insTCCGCCCGCCTCGGCCTCCCAAAGTGCTGGGATTACAGGCGTGAGCCACCGCGCCCGGCCT on transcript NM_001122769.3 (MANE Select); coding-DNA positions 52 to 53, TCCGCCCGCCTCGGCCTCCCAAAGTGCTGGGATTACAGGCGTGAGCCACCGCGCCCGGCCT inserted.
Protein change: p.Lys18delinsIleArgProProArgProProLysValLeuGlyLeuGlnAlaTer.
Molecular consequence: nonsense.
Genome position: GRCh38: chr6:79,518,842-79,518,843. GRCh37 (hg19): chr6:80,228,559-80,228,560.
Other names: c.52_53insTCCGCCCGCCTCGGCCTCCCAAAGTGCTGGGATTACAGGCGTGAGCCACCGCGCCCGGCCT, p.Lys18delinsIleArgProProArgProProLysValLeuGlyLeuGlnAlaTer (NM_181714.4).
Identifiers: ClinVar variation 4816989 (VCV004816989.1).

ClinVar aggregate classification (germline): Likely pathogenic (1 of 4 stars; one submission).

Conditions:
Leber congenital amaurosis 5 (LCA5). Also called: Amaurosis congenita of Leber, type 5. Identifiers: Orphanet 65, MedGen C1858301, MONDO:0011473, OMIM 604537.

Submission:

Natera, Inc.
Classification: Likely pathogenic for Leber congenital amaurosis type 5. Last evaluated: 2025-08-06. Review status: criteria provided, single submitter. Criteria: Natera Variant Classification Schema (03/2026). Collection method: clinical testing. Allele origin: germline.
Comment: The c.52_53insTCCGCCCGCCTCGGCCTCCCAAAGTGCTGGGATTACAGGCGTGAGCCACCGCGCCCGGCCT variant in LCA5 is a frameshift variant predicted to shift the reading frame beginning at codon 18 and leads to a stop codon 15 codons downstream. This variant is expected to result in nonsense mediated decay, truncation, or a dysfunctional protein product. This variant is rare in the general population with a frequency below the threshold expected for the associated phenotype(s). Given the available evidence, this variant is classified as Likely Pathogenic.